The following is an entry in ClinVar:

NM_002485.5(NBN):c.667A>G (p.Lys223Glu)

Gene: NBN (nibrin; minus strand). Cytogenetic location: 8q21.3.
Variant type: single nucleotide variant.
Coding change: c.667A>G on transcript NM_002485.5 (MANE Select); coding-DNA position 667, A replaced by G.
Protein change: p.Lys223Glu; replaces lysine 223 with glutamic acid.
Molecular consequence: missense variant.
Genome position (GRCh38, 1-based): chr8:89,971,208, T>C on the plus strand (A>G on the coding strand, the complement: NBN is on the minus strand). VCF-style: chr8-89971208-T-C. GRCh37 (hg19) VCF-style: chr8-90983436-T-C.
Other names: c.421A>G, p.Lys141Glu (NM_001024688.3); short protein forms K141E, K223E.
Identifiers: ClinVar variation 1754833 (VCV001754833.8), dbSNP rs1811500671, ClinGen allele CA371659038.

ClinVar aggregate classification (germline): Uncertain significance. Review status: criteria provided, multiple submitters, no conflicts (2 of 4 stars). 2 submissions from 2 submitters: Uncertain significance (2). Last evaluated 2025-08-05.

Conditions:
Microcephaly, normal intelligence and immunodeficiency (NBS). Also called: IMMUNODEFICIENCY, MICROCEPHALY, AND CHROMOSOMAL INSTABILITY; SEEMANOVA SYNDROME II; Nijmegen breakage syndrome; Microcephaly with normal intelligence immunodeficiency and lymphoreticular malignancies; Nonsyndromal microcephaly autosomal recessive with normal intelligence; Seemanova syndrome 2. Identifiers: Orphanet 647, MedGen C0398791, MONDO:0009623, OMIM 251260.
Hereditary cancer-predisposing syndrome. Also called: Neoplastic Syndromes, Hereditary; Tumor predisposition; Hereditary neoplastic syndrome; Hereditary Cancer Syndrome. Identifiers: Orphanet 140162, MedGen C0027672, MeSH D009386, MONDO:0015356.

Submissions (2):

Ambry Genetics
Classification: Uncertain significance for Hereditary cancer-predisposing syndrome. Last evaluated: 2025-08-05. Review status: criteria provided, single submitter. Criteria: Ambry Variant Classification Scheme 2023. Collection method: clinical testing. Allele origin: germline.
Comment: The p.K223E variant (also known as c.667A>G), located in coding exon 6 of the NBN gene, results from an A to G substitution at nucleotide position 667. The lysine at codon 223 is replaced by glutamic acid, an amino acid with similar properties. This amino acid position is conserved. In addition, this alteration is predicted to be tolerated by in silico analysis. Since supporting evidence is limited at this time, the clinical significance of this alteration remains unclear.

Labcorp Genetics (formerly Invitae), Labcorp
Classification: Uncertain significance for Microcephaly, normal intelligence and immunodeficiency. Last evaluated: 2022-04-17. Review status: criteria provided, single submitter. Criteria: Invitae Variant Classification Sherloc (09022015). Collection method: clinical testing. Allele origin: germline.
Comment: This variant has not been reported in the literature in individuals affected with NBN-related conditions. In summary, the available evidence is currently insufficient to determine the role of this variant in disease. Therefore, it has been classified as a Variant of Uncertain Significance. Algorithms developed to predict the effect of missense changes on protein structure and function (SIFT, PolyPhen-2, Align-GVGD) all suggest that this variant is likely to be tolerated. This variant is not present in population databases (gnomAD no frequency). This sequence change replaces lysine, which is basic and polar, with glutamic acid, which is acidic and polar, at codon 223 of the NBN protein (p.Lys223Glu).